The following is an entry in ClinVar:

NM_001308172.2(ACSM2A):c.360G>A (p.Trp120Ter)

Gene: ACSM2A (acyl-CoA synthetase medium chain family member 2A; plus strand). Cytogenetic location: 16p12.3.
Variant type: single nucleotide variant.
Coding change: c.360G>A on transcript NM_001308172.2 (MANE Select); coding-DNA position 360, G replaced by A.
Protein change: p.Trp120Ter; replaces tryptophan 120 with a stop codon.
Molecular consequence: nonsense.
Genome position (GRCh38, 1-based): chr16:20,465,699, G>A. VCF-style: chr16-20465699-G-A. GRCh37 (hg19) VCF-style: chr16-20477021-G-A.
Other names: NC_000016.9:g.20477021G>A; c.123G>A, p.Trp41Ter (NM_001308169.2); c.360G>A, p.Trp120Ter (NM_001308954.2); short protein forms W120*, W41*.
Identifiers: ClinVar variation 2646283 (VCV002646283.25), dbSNP rs146045291, ClinGen allele CA7941165.

ClinVar aggregate classification (germline): Likely benign (1 of 4 stars; one submission).

Allele frequency attached by ClinVar (database versions not stated): 1000 Genomes Project 30x 0.00219; 1000 Genomes Project 0.00240; TOPMed 0.00452; gnomAD 0.00485; ExAC 0.00513; ESP Exome Variant Server 0.00654; gnomAD exomes 0.00707.
gnomAD v4.1: 10,961 of 1,613,930 alleles (0.68%); highest among the groups gnomAD compares: Non-Finnish European, 0.83%; 53 homozygotes.

Submissions (8):

CeGaT Center for Human Genetics Tuebingen
Classification: Likely benign. Last evaluated: 2025-10-01. Review status: criteria provided, single submitter. Criteria: CeGaT Center For Human Genetics Tuebingen Variant Classification Criteria Version 2. Collection method: clinical testing. Allele origin: germline. Affected: yes. Observed: 2 variant alleles.
Comment: ACSM2A: BS2

Dr. Peter K. Rogan Lab, Western University
No classification provided (evidence only). Condition: Clear cell carcinoma of kidney. Review status: no classification provided. Collection method: in vitro. Allele origin: not applicable. Functional consequence: retained intron. Not counted in ClinVar's aggregate classification.

Dr. Peter K. Rogan Lab, Western University
No classification provided (evidence only). Condition: Clear cell carcinoma of kidney. Review status: no classification provided. Collection method: in vitro. Allele origin: not applicable. Functional consequence: retained intron. Not counted in ClinVar's aggregate classification.

Dr. Peter K. Rogan Lab, Western University
No classification provided (evidence only). Condition: Hepatocellular carcinoma. Review status: no classification provided. Collection method: in vitro. Allele origin: not applicable. Functional consequence: retained intron. Not counted in ClinVar's aggregate classification.

Dr. Peter K. Rogan Lab, Western University
No classification provided (evidence only). Condition: Hepatocellular carcinoma. Review status: no classification provided. Collection method: in vitro. Allele origin: not applicable. Functional consequence: retained intron. Not counted in ClinVar's aggregate classification.

Dr. Peter K. Rogan Lab, Western University
No classification provided (evidence only). Condition: Hepatocellular carcinoma. Review status: no classification provided. Collection method: in vitro. Allele origin: not applicable. Functional consequence: retained intron. Not counted in ClinVar's aggregate classification.

Dr. Peter K. Rogan Lab, Western University
No classification provided (evidence only). Condition: Hepatocellular carcinoma. Review status: no classification provided. Collection method: in vitro. Allele origin: not applicable. Functional consequence: retained intron. Not counted in ClinVar's aggregate classification.

Dr. Peter K. Rogan Lab, Western University
No classification provided (evidence only). Condition: Hepatocellular carcinoma. Review status: no classification provided. Collection method: in vitro. Allele origin: not applicable. Functional consequence: retained intron. Not counted in ClinVar's aggregate classification.